The following is an entry in ClinVar:

ClinVar aggregate classification (germline): Likely benign (1 of 4 stars; one submission).

Allele frequency attached by ClinVar (database versions not stated): gnomAD 0.00001.

Submission:

Laboratory for Molecular Medicine, Mass General Brigham Personalized Medicine
Classification: Likely benign. Last evaluated: 2012-03-16. Review status: criteria provided, single submitter. Criteria: LMM Criteria. Collection method: clinical testing. Allele origin: germline. Observed: 1 variant allele.
Comment: Thr26687Thr in exon 278 of TTN: This variant is not expected to have clinical si gnificance because it does not alter an amino acid residue and is not located wi thin the splice consensus sequence. Thr26687Thr in exon 278 of TTN (allele freq uency = n/a)

NM_001267550.2(TTN):c.87765T>C (p.Thr29255=)

Genes: TTN (titin; minus strand), TTN-AS1 (TTN antisense RNA 1; plus strand). Cytogenetic location: 2q31.2.
Variant type: single nucleotide variant.
Coding change: c.87765T>C on transcript NM_001267550.2 (MANE Select); coding-DNA position 87765, T replaced by C.
Protein change: p.Thr29255=; no amino-acid change (threonine 29255 retained).
Molecular consequence: synonymous variant.
Genome position (GRCh38, 1-based): chr2:178,557,497, A>G on the plus strand (T>C on the coding strand, the complement: TTN is on the minus strand). VCF-style: chr2-178557497-A-G. GRCh37 (hg19) VCF-style: chr2-179422224-A-G.
Other names: c.82842T>C, p.Thr27614= (NM_001256850.1); c.60570T>C, p.Thr20190= (NM_003319.4); c.60945T>C, p.Thr20315= (NM_133432.3); c.61146T>C, p.Thr20382= (NM_133437.4); c.80061T>C, p.Thr26687= (NM_133378.4).
Identifiers: ClinVar variation 47468 (VCV000047468.5), dbSNP rs397517738, ClinGen allele CA141098.